The following is an entry in ClinVar:

ClinVar aggregate classification (germline): Pathogenic. Review status: criteria provided, multiple submitters, no conflicts (2 of 4 stars). 7 submissions from 7 submitters: Pathogenic (5). 2 of the submissions do not count toward it. Last evaluated 2025-04-11.

Conditions:
RHO-related disorder. Also called: RHO-related condition.
Retinitis pigmentosa 4 (RP4). Also called: RETINITIS PIGMENTOSA, RHODOPSIN-RELATED. Identifiers: Orphanet 791, MedGen C3151001, MONDO:0013395, OMIM 613731.
Retinitis pigmentosa (RP). Identifiers: Orphanet 791, MedGen C0035334, MeSH D012174, MONDO:0019200, OMIM 268000. Inheritance: Autosomal dominant, autosomal recessive and X linked inheritance.

Allele frequency attached by ClinVar (database versions not stated): gnomAD exomes below 0.00001.

Submissions (7):

Dasa
Classification: Pathogenic. Last evaluated: 2025-04-11. Review status: criteria provided, single submitter. Criteria: DASA Assertion Criteria. Collection method: clinical testing. Allele origin: germline.
Comment: NM_000539.3(RHO):c.800C>T (p.Pro267Leu) is a missense variant that results in the substitution of proline with leucine. The affected residue or protein region has prior evidence supporting clinical relevance. Segregation evidence has been reported in affected families. Functional evidence supports a deleterious effect on the gene or gene product (PMID: 1444916; PMID: 1897520; PMID: 26962691; PMID: 16799052; PMID: 29890221). This variant has been recurrently observed in individuals with related phenotype (PMID: 1444916; PMID: 1897520; PMID: 26962691; PMID: 16799052; PMID: 29890221). The variant is present at low frequency in population datasets. Based on the available data, this variant is classified as pathogenic.

Blueprint Genetics
Classification: Pathogenic for RHO-related disorders. Last evaluated: 2024-01-17. Review status: criteria provided, single submitter. Criteria: ACMG Guidelines, 2015. Collection method: clinical testing. Allele origin: germline. Affected: yes. Observed: 5 variant alleles.

Labcorp Genetics (formerly Invitae), Labcorp
Classification: Pathogenic. Last evaluated: 2022-08-22. Review status: criteria provided, single submitter. Criteria: Invitae Variant Classification Sherloc (09022015). Collection method: clinical testing. Allele origin: germline.
Comment: This missense change has been observed in individuals with autosomal dominant inherited retinal dystrophy (PMID: 1897520, 26962691). This variant is not present in population databases (gnomAD no frequency). This sequence change replaces proline, which is neutral and non-polar, with leucine, which is neutral and non-polar, at codon 267 of the RHO protein (p.Pro267Leu). ClinVar contains an entry for this variant (Variation ID: 13034). For these reasons, this variant has been classified as Pathogenic. This variant disrupts the p.Pro267 amino acid residue in RHO. Other variant(s) that disrupt this residue have been determined to be pathogenic (Invitae). This suggests that this residue is clinically significant, and that variants that disrupt this residue are likely to be disease-causing. Experimental studies have shown that this missense change affects RHO function (PMID: 29890221). Advanced modeling of protein sequence and biophysical properties (such as structural, functional, and spatial information, amino acid conservation, physicochemical variation, residue mobility, and thermodynamic stability) performed at Invitae indicates that this missense variant is expected to disrupt RHO protein function.

Centre for Genomic Medicine, Manchester, Central Manchester University Hospitals
Classification: Pathogenic for Retinitis pigmentosa 4. Last evaluated: 2020-09-01. Review status: criteria provided, single submitter. Criteria: ACMG Guidelines, 2015. Collection method: clinical testing. Allele origin: germline. Affected: yes. Observed: 1 heterozygote.

GeneDx
Classification: Pathogenic. Last evaluated: 2019-08-30. Review status: criteria provided, single submitter. Criteria: GeneDx Variant Classification Process June 2021. Collection method: clinical testing. Allele origin: germline. Affected: yes.
Comment: Published functional studies demonstrate a damaging effect with decreased regeneration of 11-cis-retinal and accumulation in the endoplasmic reticulum (Sung et al., 1993); Not observed in large population cohorts (Lek et al., 2016); In silico analysis, which includes protein predictors and evolutionary conservation, supports a deleterious effect; This variant is associated with the following publications: (PMID: 31456290, 30977563, 9228242, 1444916, 16799052, 17936999, 26962691, 1897520, 21785698, 8193125, 9380676, 26872967, 15563868, 1358680, 8253795, 28966884, 10409707, 21094163, 29890221)

Sharon lab, Hadassah-Hebrew University Medical Center
Classification: Likely pathogenic for Retinitis pigmentosa. Last evaluated: 2019-06-23. Review status: no assertion criteria provided. Collection method: research. Allele origin: inherited. Affected: yes. Not counted in ClinVar's aggregate classification.

OMIM
Classification: Pathogenic for RETINITIS PIGMENTOSA 4. Last evaluated: 1991-10-01. Review status: no assertion criteria provided. Collection method: literature only. Allele origin: germline. Not counted in ClinVar's aggregate classification.

Literature cited by the submitters: PubMed 1444916 (cited by Dasa); PubMed 1897520 (cited by 3 submitters); PubMed 26962691 (cited by Dasa and Labcorp Genetics (formerly Invitae), Labcorp); PubMed 16799052 (cited by Dasa); PubMed 29890221 (cited by Dasa and Labcorp Genetics (formerly Invitae), Labcorp).

NM_000539.3(RHO):c.800C>T (p.Pro267Leu)

Gene: RHO (rhodopsin; plus strand). Cytogenetic location: 3q22.1.
Variant type: single nucleotide variant.
Coding change: c.800C>T on transcript NM_000539.3 (MANE Select); coding-DNA position 800, C replaced by T.
Protein change: p.Pro267Leu; replaces proline 267 with leucine.
Molecular consequence: missense variant.
Genome position (GRCh38, 1-based): chr3:129,532,636, C>T. VCF-style: chr3-129532636-C-T. GRCh37 (hg19) VCF-style: chr3-129251479-C-T.
Other names: short protein forms P267L.
Identifiers: ClinVar variation 13034 (VCV000013034.15), dbSNP rs104893781, ClinGen allele CA256680.
Genomic context (GRCh38, chr3:129,532,636, plus strand): 5'-AGAAGGAGGTCACCCGCATGGTCATCATCATGGTCATCGCTTTCCTGATCTGCTGGGTGC[C>T]CTACGCCAGCGTGGCATTCTACATCTTCACCCACCAGGGCTCCAACTTCGGTCCCATCTT-3'
Protein context (NP_000530.1, residues 257-277): MVIAFLICWV[Pro267Leu]YASVAFYIFT